The following is an entry in ClinVar:

NM_000059.4(BRCA2):c.63del (p.Ala22fs)

Gene: BRCA2 (BRCA2 DNA repair associated; plus strand). Cytogenetic location: 13q13.1.
Variant type: Deletion.
Coding change: c.63del on transcript NM_000059.4 (MANE Select); coding-DNA position 63, one base deleted (A; older notation c.63delA).
Protein change: p.Ala22fs; shifts the reading frame from alanine 22.
Molecular consequence: frameshift variant.
Genome position (GRCh38, 1-based): chr13:32,316,523, A deleted; the last of 3 consecutive A bases (chr13:32,316,521-32,316,523); deleting any one gives the same sequence. VCF-style (leftmost placement, unchanged base first): chr13-32316520-CA-C. GRCh37 (hg19) VCF-style: chr13-32890657-CA-C.
Other names: 291delA; c.63delA (NM_000059.3).
Identifiers: ClinVar variation 52081 (VCV000052081.3), dbSNP rs80359582, ClinGen allele CA023987.
Genomic context (GRCh38, chr13:32,316,520, plus strand): 5'-AATGCCTATTGGATCCAAAGAGAGGCCAACATTTTTTGAAATTTTTAAGACACGCTGCAA[CA>C]AAGCAGGTATTGACAAATTTTATATAACTTTATAAATTACACCGAGAAAGTGTTTTCTAA-3'

ClinVar aggregate classification (germline): Pathogenic. Review status: reviewed by expert panel (3 of 4 stars). 3 submissions from 3 submitters: Pathogenic (1). 2 of the submissions do not count toward it. Last evaluated 2016-09-08.

Conditions:
Breast-ovarian cancer, familial, susceptibility to, 2 (BROVCA2). Also called: BRCA2 Hereditary Breast and Ovarian Cancer. Identifiers: Orphanet 145, MedGen C2675520, MONDO:0012933, OMIM 612555. Disease mechanism: loss of function.

Submissions (3):

Evidence-based Network for the Interpretation of Germline Mutant Alleles (ENIGMA)
Classification: Pathogenic for Breast-ovarian cancer, familial, susceptibility to, 2. Last evaluated: 2016-09-08. Review status: reviewed by expert panel. Criteria: ENIGMA BRCA1/2 Classification Criteria (2015). Collection method: curation. Allele origin: germline.
Comment: Variant allele predicted to encode a truncated non-functional protein.

Consortium of Investigators of Modifiers of BRCA1/2 (CIMBA), c/o University of Cambridge
Classification: Pathogenic for Breast-ovarian cancer, familial, susceptibility to, 2. Last evaluated: 2015-10-02. Review status: criteria provided, single submitter. Criteria: CIMBA Mutation Classification guidelines May 2016. Collection method: clinical testing. Allele origin: germline. Not counted in ClinVar's aggregate classification.

Breast Cancer Information Core (BIC) (BRCA2)
Classification: Pathogenic for Breast-ovarian cancer, familial 2. Last evaluated: 2004-02-20. Review status: no assertion criteria provided. Collection method: clinical testing. Allele origin: germline. Affected: yes. Observed: 2 variant alleles. Not counted in ClinVar's aggregate classification.